The following is an entry in ClinVar:

NM_004168.4(SDHA):c.535A>G (p.Lys179Glu)

Gene: SDHA (succinate dehydrogenase complex flavoprotein subunit A; plus strand). Cytogenetic location: 5p15.33.
Variant type: single nucleotide variant.
Coding change: c.535A>G on transcript NM_004168.4 (MANE Select); coding-DNA position 535, A replaced by G.
Protein change: p.Lys179Glu; replaces lysine 179 with glutamic acid.
Molecular consequence: missense variant.
Genome position (GRCh38, 1-based): chr5:225,961, A>G. VCF-style: chr5-225961-A-G. GRCh37 (hg19) VCF-style: chr5-226076-A-G.
Other names: c.391A>G, p.Lys131Glu (NM_001294332.2); c.535A>G, p.Lys179Glu (NM_001330758.2); short protein forms K131E, K179E.
Identifiers: ClinVar variation 4864203 (VCV004864203.1).

ClinVar aggregate classification (germline): Uncertain significance (1 of 4 stars; one submission).

Conditions:
Hereditary cancer-predisposing syndrome. Also called: Neoplastic Syndromes, Hereditary; Tumor predisposition; Hereditary Cancer Syndrome; Hereditary neoplastic syndrome. Identifiers: Orphanet 140162, MedGen C0027672, MeSH D009386, MONDO:0015356.

Submission:

Ambry Genetics
Classification: Uncertain significance for Hereditary cancer-predisposing syndrome. Last evaluated: 2026-05-31. Review status: criteria provided, single submitter. Criteria: Ambry Variant Classification Scheme 2023. Collection method: clinical testing. Allele origin: germline.
Comment: The p.K179E variant (also known as c.535A>G), located in coding exon 5 of the SDHA gene, results from an A to G substitution at nucleotide position 535. The lysine at codon 179 is replaced by glutamic acid, an amino acid with similar properties. This amino acid position is well conserved in available vertebrate species. In addition, the in silico prediction for this alteration is inconclusive. Based on the available evidence, the clinical significance of this variant remains unclear.